The following is an entry in ClinVar:

NM_001165963.4(SCN1A):c.4003-603T>C

Genes: SCN1A (sodium voltage-gated channel alpha subunit 1; minus strand), LOC102724058 (uncharacterized LOC102724058; plus strand). Cytogenetic location: 2q24.3.
Variant type: single nucleotide variant.
Coding change: c.4003-603T>C on transcript NM_001165963.4 (MANE Select); 603 bases into the intron before coding-DNA position 4003, T replaced by C.
Molecular consequence: intron variant.
Genome position (GRCh38, 1-based): chr2:166,003,356, A>G on the plus strand (T>C on the coding strand, the complement: SCN1A is on the minus strand). VCF-style: chr2-166003356-A-G. GRCh37 (hg19) VCF-style: chr2-166859866-A-G.
Other names: c.3970-603T>C (NM_001353949.2, NM_001353950.2, NM_001353951.2 and 2 more transcripts); c.3919-603T>C (NM_001353958.2, NM_001353957.2, NM_001165964.3); c.4003-603T>C (NM_001202435.3, NM_001353948.2); c.3967-603T>C (NM_001353955.2, NM_001353954.2); c.3916-603T>C (NM_001353960.2); c.1561-603T>C (NM_001353961.2).
Identifiers: ClinVar variation 1803752 (VCV001803752.1), dbSNP rs2468444287, ClinGen allele CA2580064435.

ClinVar aggregate classification (germline): Uncertain significance (1 of 4 stars; one submission).

Conditions:
Severe myoclonic epilepsy in infancy (DRVT). Also called: Epileptic encephalopathy, early infantile, 6 (Dravet syndrome); Dravet syndrome; SEVERE MYOCLONIC EPILEPSY OF INFANCY; DEVELOPMENTAL AND EPILEPTIC ENCEPHALOPATHY 6A; Severe Myoclonic Epilepsy in Infancy (SMEI). Identifiers: Orphanet 33069, MedGen C0751122, MONDO:0100135, OMIM 607208.

Submission:

HudsonAlpha Institute for Biotechnology
Classification: Uncertain significance for Severe myoclonic epilepsy in infancy. Last evaluated: 2021-10-04. Review status: criteria provided, single submitter. Criteria: ACMG Guidelines, 2015. Collection method: research. Allele origin: unknown. Observed: 2 variant alleles. Study: HudsonAlpha-AGHI-WGS.
Comment: ACMG codes: PM2